The following is an entry in ClinVar:

ClinVar aggregate classification (germline): Uncertain significance (1 of 4 stars; one submission).

Conditions:
Cardiovascular phenotype. Identifiers: MedGen CN230736.

Submission:

Ambry Genetics
Classification: Uncertain significance for Cardiovascular phenotype. Last evaluated: 2026-06-26. Review status: criteria provided, single submitter. Criteria: Ambry Variant Classification Scheme 2023. Collection method: clinical testing. Allele origin: germline.
Comment: The p.E3K variant (also known as c.7G>A), located in coding exon 1 of the SPRED1 gene, results from a G to A substitution at nucleotide position 7. The glutamic acid at codon 3 is replaced by lysine, an amino acid with similar properties. This amino acid position is conserved. In addition, the in silico prediction for this alteration is inconclusive. Based on the available evidence, the clinical significance of this variant remains unclear.

NM_152594.3(SPRED1):c.7G>A (p.Glu3Lys)

Gene: SPRED1 (sprouty related EVH1 domain containing 1; plus strand). Cytogenetic location: 15q14.
Variant type: single nucleotide variant.
Coding change: c.7G>A on transcript NM_152594.3 (MANE Select); coding-DNA position 7, G replaced by A.
Protein change: p.Glu3Lys; replaces glutamic acid 3 with lysine.
Molecular consequence: missense variant.
Genome position (GRCh38, 1-based): chr15:38,253,192, G>A. VCF-style: chr15-38253192-G-A. GRCh37 (hg19) VCF-style: chr15-38545393-G-A.
Other names: short protein forms E3K.
Identifiers: ClinVar variation 5030104 (VCV005030104.1).
Genomic context (GRCh38, chr15:38,253,192, plus strand): 5'-TCCCCCGCCTGCTGTTGCTCCTCCATCTCCAGATCGGATCACGGTGAGGGAAAGATGAGC[G>A]AGGAGACGGCGACTTCTGACAACGAGTAAGCGCCTCATTGATCTCGATTGCTAATCCCCC-3'
Protein context (NP_689807.1, residues 1-13): MS[Glu3Lys]ETATSDNDNS